The following is an entry in ClinVar:

ClinVar aggregate classification (germline): Likely benign. Review status: criteria provided, multiple submitters, no conflicts (2 of 4 stars). 2 submissions from 2 submitters: Likely benign (2). Last evaluated 2026-01-22.

Allele frequency attached by ClinVar (database versions not stated): ExAC 0.00009; gnomAD exomes 0.00010; gnomAD 0.00012 and 0.00013; TOPMed 0.00017.
gnomAD v4.1: 160 of 1,613,942 alleles (0.0099%); highest among the groups gnomAD compares: Admixed American, 0.037%; no homozygotes.

Submissions (2):

Labcorp Genetics (formerly Invitae), Labcorp
Classification: Likely benign. Last evaluated: 2026-01-22. Review status: criteria provided, single submitter. Criteria: Invitae Variant Classification Sherloc (09022015). Collection method: clinical testing. Allele origin: germline.

CeGaT Center for Human Genetics Tuebingen
Classification: Likely benign. Last evaluated: 2024-09-01. Review status: criteria provided, single submitter. Criteria: CeGaT Center For Human Genetics Tuebingen Variant Classification Criteria Version 2. Collection method: clinical testing. Allele origin: germline. Affected: yes. Observed: 1 variant allele.
Comment: ANK3: BP4, BP7

NM_020987.5(ANK3):c.2172C>T (p.Asp724=)

Gene: ANK3 (ankyrin 3; minus strand). Cytogenetic location: 10q21.2.
Variant type: single nucleotide variant.
Coding change: c.2172C>T on transcript NM_020987.5 (MANE Select); coding-DNA position 2172, C replaced by T.
Protein change: p.Asp724=; no amino-acid change (aspartic acid 724 retained).
Molecular consequence: synonymous variant.
Genome position (GRCh38, 1-based): chr10:60,181,341, G>A on the plus strand (C>T on the coding strand, the complement: ANK3 is on the minus strand). VCF-style: chr10-60181341-G-A. GRCh37 (hg19) VCF-style: chr10-61941099-G-A.
Other names: c.2154C>T, p.Asp718= (NM_001204403.2); c.2121C>T, p.Asp707= (NM_001204404.2); c.2172C>T, p.Asp724= (NM_001320874.2).
Identifiers: ClinVar variation 1668305 (VCV001668305.22), dbSNP rs781145806, ClinGen allele CA5512918.